The following is an entry in ClinVar:

NM_018942.3(HMX1):c.794A>G (p.Glu265Gly)

Gene: HMX1 (H6 family homeobox 1; minus strand). Cytogenetic location: 4p16.1.
Variant type: single nucleotide variant.
Coding change: c.794A>G on transcript NM_018942.3 (MANE Select); coding-DNA position 794, A replaced by G.
Protein change: p.Glu265Gly; replaces glutamic acid 265 with glycine.
Molecular consequence: missense variant. On other transcripts: intron variant (1).
Genome position (GRCh38, 1-based): chr4:8,867,946, T>C on the plus strand (A>G on the coding strand, the complement: HMX1 is on the minus strand). VCF-style: chr4-8867946-T-C. GRCh37 (hg19) VCF-style: chr4-8869672-T-C.
Other names: c.394+3275A>G (NM_001306142.2); short protein forms E265G.
Identifiers: ClinVar variation 940350 (VCV000940350.6), dbSNP rs1189631858, ClinGen allele CA356277801.
Genomic context (GRCh38, chr4:8,867,946, plus strand): 5'-AGCACCGGCACGCGGACCAGGCGCTGCGCTCCCGGCGGGGACAGGCTGGCCGCCTCCAGC[T>C]CGGCTGCCAGCTGCCGCTTCCACTTGTTGCGGCGGTTCTGGAACCAGATCTTAACCTGCG-3'
Protein context (NP_061815.2, residues 255-275): RNKWKRQLAA[Glu265Gly]LEAASLSPPG

ClinVar aggregate classification (germline): Uncertain significance (1 of 4 stars; one submission).

Allele frequency attached by ClinVar (database versions not stated): gnomAD exomes 0.00001; gnomAD 0.00005.
gnomAD v4.1: 27 of 1,485,666 alleles (0.0018%); highest among the groups gnomAD compares: African/African-American, 0.016%; no homozygotes.

Submission:

Labcorp Genetics (formerly Invitae), Labcorp
Classification: Uncertain significance. Last evaluated: 2023-07-17. Review status: criteria provided, single submitter. Criteria: Invitae Variant Classification Sherloc (09022015). Collection method: clinical testing. Allele origin: germline.
Comment: Advanced modeling of protein sequence and biophysical properties (such as structural, functional, and spatial information, amino acid conservation, physicochemical variation, residue mobility, and thermodynamic stability) performed at Invitae indicates that this missense variant is not expected to disrupt HMX1 protein function. ClinVar contains an entry for this variant (Variation ID: 940350). This variant has not been reported in the literature in individuals affected with HMX1-related conditions. The frequency data for this variant in the population databases is considered unreliable, as metrics indicate poor data quality at this position in the gnomAD database. This sequence change replaces glutamic acid, which is acidic and polar, with glycine, which is neutral and non-polar, at codon 265 of the HMX1 protein (p.Glu265Gly). In summary, the available evidence is currently insufficient to determine the role of this variant in disease. Therefore, it has been classified as a Variant of Uncertain Significance.